The following is an entry in ClinVar:

ClinVar aggregate classification (germline): Benign (1 of 4 stars; one submission).

Conditions:
Deficiency of phosphoserine phosphatase (PSPHD). Also called: Phosphoserine phosphatase deficiency; PSPH deficiency. Identifiers: Orphanet 79350, MedGen C1291463, MONDO:0013531, OMIM 614023.

Allele frequency attached by ClinVar (database versions not stated): 1000 Genomes Project 30x 0.00718; gnomAD 0.00729 and 0.00789; 1000 Genomes Project 0.00739; TOPMed 0.00807.

Submission:

Illumina Laboratory Services, Illumina
Classification: Benign for Deficiency of phosphoserine phosphatase. Last evaluated: 2017-04-27. Review status: criteria provided, single submitter. Criteria: ICSL Variant Classification Criteria 13 December 2019. Collection method: clinical testing. Allele origin: germline.
Comment: This variant was observed as part of a predisposition screen in an ostensibly healthy population. A literature search was performed for the gene, cDNA change, and amino acid change (where applicable). No publications were found based on this search. Allele frequency data from public databases was too high to be consistent with this variant causing disease. Therefore, this variant is classified as benign.

NM_004577.4(PSPH):c.-429G>T

Gene: PSPH (phosphoserine phosphatase; minus strand). Cytogenetic location: 7p11.2.
Variant type: single nucleotide variant.
Coding change: c.-429G>T on transcript NM_004577.4 (MANE Select); 429 bases upstream of the start codon, G replaced by T.
Molecular consequence: 5 prime UTR variant. On other transcripts: intron variant (2).
Genome position (GRCh38, 1-based): chr7:56,051,275, C>A on the plus strand (G>T on the coding strand, the complement: PSPH is on the minus strand). VCF-style: chr7-56051275-C-A. GRCh37 (hg19) VCF-style: chr7-56118968-C-A.
Other names: c.-477G>T (NM_001370503.1); c.-426G>T (NM_001370504.1); c.-591G>T (NM_001370505.1, NM_001370507.1); c.-543G>T (NM_001370506.1, NM_001370522.1); c.-705G>T (NM_001370508.1); c.-267G>T (NM_001370509.1); c.-283G>T (NM_001370510.1); c.-536G>T (NM_001370511.1); and 10 more.
Identifiers: ClinVar variation 910355 (VCV000910355.4), dbSNP rs145447387, ClinGen allele CA158993083.
Genomic context (GRCh38, chr7:56,051,275, plus strand): 5'-CTCAGCAGCATCCAGAGCCCTACGGACGGGCAGGTTCTTACGTCTCAACTCCCATCGCAC[C>A]AGTCCTGCAGCTTTCTAAAGGTATCCAGCACTTTCTACCTTGCATTCTATCTTCATCTTC-3'